The following is an entry in ClinVar:

NM_005732.4(RAD50):c.2874G>A (p.Met958Ile)

Gene: RAD50 (RAD50 double strand break repair protein; plus strand). Cytogenetic location: 5q31.1.
Variant type: single nucleotide variant.
Coding change: c.2874G>A on transcript NM_005732.4 (MANE Select); coding-DNA position 2874, G replaced by A.
Protein change: p.Met958Ile; replaces methionine 958 with isoleucine.
Molecular consequence: missense variant.
Genome position (GRCh38, 1-based): chr5:132,609,161, G>A. VCF-style: chr5-132609161-G-A. GRCh37 (hg19) VCF-style: chr5-131944853-G-A.
Other names: short protein forms M958I.
Identifiers: ClinVar variation 2451433 (VCV002451433.2), dbSNP rs2479371068, ClinGen allele CA360959681.

ClinVar aggregate classification (germline): Uncertain significance (1 of 4 stars; one submission).

Conditions:
Hereditary cancer-predisposing syndrome. Also called: Neoplastic Syndromes, Hereditary; Tumor predisposition; Hereditary neoplastic syndrome; Hereditary Cancer Syndrome. Identifiers: Orphanet 140162, MedGen C0027672, MeSH D009386, MONDO:0015356.

Submission:

Ambry Genetics
Classification: Uncertain significance for Hereditary cancer-predisposing syndrome. Last evaluated: 2023-02-25. Review status: criteria provided, single submitter. Criteria: Ambry Variant Classification Scheme 2023. Collection method: clinical testing. Allele origin: germline.
Comment: The p.M958I variant (also known as c.2874G>A), located in coding exon 18 of the RAD50 gene, results from a G to A substitution at nucleotide position 2874. The methionine at codon 958 is replaced by isoleucine, an amino acid with highly similar properties. This amino acid position is conserved. In addition, this alteration is predicted to be tolerated by in silico analysis. Since supporting evidence is limited at this time, the clinical significance of this alteration remains unclear.